The following is an entry in ClinVar:

NM_006623.4(PHGDH):c.400G>A (p.Glu134Lys)

Gene: PHGDH (phosphoglycerate dehydrogenase; plus strand). Cytogenetic location: 1p12.
Variant type: single nucleotide variant.
Coding change: c.400G>A on transcript NM_006623.4 (MANE Select); coding-DNA position 400, G replaced by A.
Protein change: p.Glu134Lys; replaces glutamic acid 134 with lysine.
Molecular consequence: missense variant.
Genome position (GRCh38, 1-based): chr1:119,726,894, G>A. VCF-style: chr1-119726894-G-A. GRCh37 (hg19) VCF-style: chr1-120269517-G-A.
Other names: short protein forms E134K.
Identifiers: ClinVar variation 875371 (VCV000875371.10), dbSNP rs139129607, ClinGen allele CA1037074.

ClinVar aggregate classification (germline): Uncertain significance. Review status: criteria provided, multiple submitters, no conflicts (2 of 4 stars). 6 submissions from 5 submitters: Uncertain significance (6). Last evaluated 2026-09-08.

Conditions:
Inborn genetic diseases. Identifiers: MedGen C0950123, MeSH D030342.
Neu-Laxova syndrome 1 (NLS1). Identifiers: Orphanet 2671, Orphanet 583607, MedGen C4551478, MONDO:0009736, OMIM 256520. Disease mechanism: loss of function.
PHGDH deficiency. Identifiers: Orphanet 79351, MedGen C1866174, MONDO:0011152, OMIM 601815.

Allele frequency attached by ClinVar (database versions not stated): gnomAD 0.00003 and 0.00002; gnomAD exomes 0.00006 and 0.00004; 1000 Genomes Project 0.00020; ESP Exome Variant Server 0.00008; 1000 Genomes Project 30x 0.00031; TOPMed 0.00006; ExAC 0.00007.
gnomAD v4.1: 65 of 1,614,222 alleles (0.004%); highest among the groups gnomAD compares: Admixed American, 0.017%; no homozygotes.

Submissions (6):

Ambry Genetics
Classification: Uncertain significance for Inborn genetic diseases. Last evaluated: 2026-09-08. Review status: criteria provided, single submitter. Criteria: Ambry Variant Classification Scheme 2023. Collection method: clinical testing. Allele origin: germline.
Comment: The c.400G>A (p.E134K) alteration is located in exon 4 (coding exon 4) of the PHGDH gene. This alteration results from a G to A substitution at nucleotide position 400, causing the glutamic acid (E) at amino acid position 134 to be replaced by a lysine (K). Based on data from gnomAD, the A allele has an overall frequency of 0.006% (16/282890) total alleles studied. The highest observed frequency was 0.023% (8/35438) of Latino alleles. Based on insufficient or conflicting evidence, the clinical significance of this alteration remains unclear.

Genome-Nilou Lab
Classification: Uncertain significance for Neu-Laxova syndrome 1. Last evaluated: 2023-04-11. Review status: criteria provided, single submitter. Criteria: ACMG Guidelines, 2015. Collection method: clinical testing. Allele origin: germline. Affected: no.

Genome-Nilou Lab
Classification: Uncertain significance for PHGDH deficiency. Last evaluated: 2023-04-11. Review status: criteria provided, single submitter. Criteria: ACMG Guidelines, 2015. Collection method: clinical testing. Allele origin: germline. Affected: no.

Labcorp Genetics (formerly Invitae), Labcorp
Classification: Uncertain significance for PHGDH deficiency. Last evaluated: 2022-08-22. Review status: criteria provided, single submitter. Criteria: Invitae Variant Classification Sherloc (09022015). Collection method: clinical testing. Allele origin: germline.
Comment: This sequence change replaces glutamic acid, which is acidic and polar, with lysine, which is basic and polar, at codon 134 of the PHGDH protein (p.Glu134Lys). This variant is present in population databases (rs139129607, gnomAD 0.02%). This variant has not been reported in the literature in individuals affected with PHGDH-related conditions. ClinVar contains an entry for this variant (Variation ID: 875371). Algorithms developed to predict the effect of missense changes on protein structure and function are either unavailable or do not agree on the potential impact of this missense change (SIFT: "Tolerated"; PolyPhen-2: "Possibly Damaging"; Align-GVGD: "Class C0"). In summary, the available evidence is currently insufficient to determine the role of this variant in disease. Therefore, it has been classified as a Variant of Uncertain Significance.

GeneDx
Classification: Uncertain significance. Last evaluated: 2022-06-02. Review status: criteria provided, single submitter. Criteria: GeneDx Variant Classification Process June 2021. Collection method: clinical testing. Allele origin: germline. Affected: yes.
Comment: In silico analysis supports that this missense variant has a deleterious effect on protein structure/function; Has not been previously reported as pathogenic or benign to our knowledge

Illumina Laboratory Services, Illumina
Classification: Uncertain significance for PHGDH deficiency. Last evaluated: 2017-04-27. Review status: criteria provided, single submitter. Criteria: ICSL Variant Classification Criteria 13 December 2019. Collection method: clinical testing. Allele origin: germline.